The following is an entry in ClinVar:

ClinVar aggregate classification (germline): Uncertain significance (1 of 4 stars; one submission).

Submission:

Labcorp Genetics (formerly Invitae), Labcorp
Classification: Uncertain significance. Last evaluated: 2022-09-29. Review status: criteria provided, single submitter. Criteria: Invitae Variant Classification Sherloc (09022015). Collection method: clinical testing. Allele origin: germline.
Comment: In summary, the available evidence is currently insufficient to determine the role of this variant in disease. Therefore, it has been classified as a Variant of Uncertain Significance. Algorithms developed to predict the effect of missense changes on protein structure and function are either unavailable or do not agree on the potential impact of this missense change (SIFT: "Deleterious"; PolyPhen-2: "Benign"; Align-GVGD: "Class C0"). This variant has not been reported in the literature in individuals affected with EFEMP1-related conditions. This variant is not present in population databases (gnomAD no frequency). This sequence change replaces alanine, which is neutral and non-polar, with glycine, which is neutral and non-polar, at codon 144 of the EFEMP1 protein (p.Ala144Gly).

NM_001039348.3(EFEMP1):c.431C>G (p.Ala144Gly)

Gene: EFEMP1 (EGF-like fibulin extracellular matrix protein 1; minus strand). Cytogenetic location: 2p16.1.
Variant type: single nucleotide variant.
Coding change: c.431C>G on transcript NM_001039348.3 (MANE Select); coding-DNA position 431, C replaced by G.
Protein change: p.Ala144Gly; replaces alanine 144 with glycine.
Molecular consequence: missense variant.
Genome position (GRCh38, 1-based): chr2:55,917,751, G>C on the plus strand (C>G on the coding strand, the complement: EFEMP1 is on the minus strand). VCF-style: chr2-55917751-G-C. GRCh37 (hg19) VCF-style: chr2-56144886-G-C.
Other names: c.431C>G, p.Ala144Gly (NM_001039349.3); short protein forms A144G.
Identifiers: ClinVar variation 1720683 (VCV001720683.5), dbSNP rs1670756353, ClinGen allele CA347026479.